The following is an entry in ClinVar:

ClinVar aggregate classification (germline): Uncertain significance. Review status: reviewed by expert panel (3 of 4 stars). 2 submissions from 2 submitters: Uncertain significance (1). 1 of the submissions does not count toward it. Last evaluated 2026-09-21.

Conditions:
Monogenic diabetes. Identifiers: Orphanet 183625, MedGen C3888631, MONDO:0015967.

Submissions (2):

ClinGen Monogenic Diabetes Variant Curation Expert Panel
Classification: Uncertain significance for Monogenic diabetes. Last evaluated: 2026-09-21. Review status: reviewed by expert panel. Criteria: ClinGen Diabetes ACMG Specifications HNF1A V3.1.0. Collection method: curation. Allele origin: germline. Inheritance: Autosomal dominant inheritance.
Comment: The c.59G>T variant in the HNF1 homeobox A gene, HNF1A, causes an amino acid change of glycine to valine at codon 20 (p.Gly20Val) of NM_000545.8. This variant is predicted to be deleterious by computational evidence, with a REVEL score of 0.959, which is greater than the MDEP VCEP threshold of 0.70 (PP3). This variant is absent from gnomAD v4.1.1 (PM2_Supporting). This variant is located within the dimerization domain (codons 1-32) of HNF1A, which is defined as critical for the protein’s function by the ClinGen MDEP (PM1_Supporting). Another missense variant at the same residue, p.Gly20Arg, has been classified as pathogenic by the ClinGen MDEP but has a greater Grantham distance than p.Gly20Val (PM5_Supporting). In summary, c.59G>T meets the criteria to be classified as a variant of uncertain significance for monogenic diabetes. ACMG/AMP criteria applied, as specified by the ClinGen MDEP VCEP (specification version 3.1, approved 10/10/2025): PM1_Supporting, PM2_Supporting, PM5_Supporting, PP3.

Gharavi Laboratory, Columbia University
Classification: Likely pathogenic. Last evaluated: 2018-09-16. Review status: no assertion criteria provided. Criteria: ACMG Guidelines, 2015. Collection method: research. Allele origin: germline. Affected: yes. Not counted in ClinVar's aggregate classification.

NM_000545.8(HNF1A):c.59G>T (p.Gly20Val)

Gene: HNF1A (HNF1 homeobox A; plus strand). Cytogenetic location: 12q24.31.
Variant type: single nucleotide variant.
Coding change: c.59G>T on transcript NM_000545.8 (MANE Select); coding-DNA position 59, G replaced by T.
Protein change: p.Gly20Val; replaces glycine 20 with valine.
Molecular consequence: missense variant.
Genome position (GRCh38, 1-based): chr12:120,978,827, G>T. VCF-style: chr12-120978827-G-T. GRCh37 (hg19) VCF-style: chr12-121416630-G-T.
Other names: NM_000545.8(HNF1A):c.59G>T; p.Gly20Val; c.59G>T, p.Gly20Val (NM_001306179.2); short protein forms G20V.
Identifiers: ClinVar variation 562409 (VCV000562409.2), dbSNP rs1566092362, ClinGen allele CA386952586.